The following is an entry in ClinVar:

NM_053025.4(MYLK):c.2617C>T (p.Leu873=)

Gene: MYLK (myosin light chain kinase; minus strand). Cytogenetic location: 3q21.1.
Variant type: single nucleotide variant.
Coding change: c.2617C>T on transcript NM_053025.4 (MANE Select); coding-DNA position 2617, C replaced by T.
Protein change: p.Leu873=; no amino-acid change (leucine 873 retained).
Molecular consequence: synonymous variant.
Genome position (GRCh38, 1-based): chr3:123,700,851, G>A on the plus strand (C>T on the coding strand, the complement: MYLK is on the minus strand). VCF-style: chr3-123700851-G-A. GRCh37 (hg19) VCF-style: chr3-123419698-G-A.
Other names: c.2089C>T, p.Leu697= (NM_001321309.2); c.2410C>T, p.Leu804= (NM_053026.4, NM_053028.4); c.2617C>T, p.Leu873= (NM_053027.4).
Identifiers: ClinVar variation 1695082 (VCV001695082.31), dbSNP rs1466712472, ClinGen allele CA435432166.

ClinVar aggregate classification (germline): Likely benign (1 of 4 stars; one submission).

Allele frequency attached by ClinVar (database versions not stated): gnomAD exomes below 0.00001.
gnomAD v4.1: 1 of 1,613,788 alleles (0.000062%); highest among the groups gnomAD compares: Non-Finnish European, 0.000085%; no homozygotes.

Submission:

CeGaT Center for Human Genetics Tuebingen
Classification: Likely benign. Last evaluated: 2022-06-01. Review status: criteria provided, single submitter. Criteria: CeGaT Center For Human Genetics Tuebingen Variant Classification Criteria Version 2. Collection method: clinical testing. Allele origin: germline. Affected: yes. Observed: 1 variant allele.
Comment: MYLK: BP4, BP7